The following is an entry in ClinVar:

NM_138459.5(NUS1):c.805C>T (p.His269Tyr)

Gene: NUS1 (NUS1 dehydrodolichyl diphosphate synthase subunit; plus strand). Cytogenetic location: 6q22.1.
Variant type: single nucleotide variant.
Coding change: c.805C>T on transcript NM_138459.5 (MANE Select); coding-DNA position 805, C replaced by T.
Protein change: p.His269Tyr; replaces histidine 269 with tyrosine.
Molecular consequence: missense variant.
Genome position (GRCh38, 1-based): chr6:117,706,938, C>T. VCF-style: chr6-117706938-C-T. GRCh37 (hg19) VCF-style: chr6-118028101-C-T.
Other names: c.805C>T (NM_138459.3); short protein forms H269Y.
Identifiers: ClinVar variation 1414822 (VCV001414822.9), dbSNP rs1038995750, ClinGen allele CA146434763.

ClinVar aggregate classification (germline): Uncertain significance. Review status: criteria provided, multiple submitters, no conflicts (2 of 4 stars). 2 submissions from 2 submitters: Uncertain significance (2). Last evaluated 2025-04-02.

Conditions:
Inborn genetic diseases. Identifiers: MedGen C0950123, MeSH D030342.
Congenital disorder of glycosylation, type Iaa. Also called: Congenital disorder of glycosylation, type 1aa. Identifiers: MedGen C4310727, MONDO:0014904, OMIM 617082.

Allele frequency attached by ClinVar (database versions not stated): TOPMed 0.00013; gnomAD 0.00001 and 0.00013.
gnomAD v4.1: 17 of 1,612,480 alleles (0.0011%); highest among the groups gnomAD compares: Non-Finnish European, 0.00017%; no homozygotes.

Submissions (2):

Ambry Genetics
Classification: Uncertain significance for Inborn genetic diseases. Last evaluated: 2025-04-02. Review status: criteria provided, single submitter. Criteria: Ambry Variant Classification Scheme 2023. Collection method: clinical testing. Allele origin: germline.

Labcorp Genetics (formerly Invitae), Labcorp
Classification: Uncertain significance for Congenital disorder of glycosylation, type Iaa. Last evaluated: 2024-12-12. Review status: criteria provided, single submitter. Criteria: Invitae Variant Classification Sherloc (09022015). Collection method: clinical testing. Allele origin: germline.
Comment: This sequence change replaces histidine, which is basic and polar, with tyrosine, which is neutral and polar, at codon 269 of the NUS1 protein (p.His269Tyr). This variant is present in population databases (no rsID available, gnomAD 0.007%). This variant has not been reported in the literature in individuals affected with NUS1-related conditions. ClinVar contains an entry for this variant (Variation ID: 1414822). An algorithm developed to predict the effect of missense changes on protein structure and function outputs the following: PolyPhen-2: "Benign". The tyrosine amino acid residue is found in multiple mammalian species, which suggests that this missense change does not adversely affect protein function. In summary, the available evidence is currently insufficient to determine the role of this variant in disease. Therefore, it has been classified as a Variant of Uncertain Significance.